The following is an entry in ClinVar:

ClinVar aggregate classification (germline): Likely benign (0 of 4 stars; one submission).

Conditions:
LRP1-related disorder. Also called: LRP1-related condition.

Allele frequency attached by ClinVar (database versions not stated): gnomAD exomes 0.00001; gnomAD 0.00002; TOPMed 0.00003; ExAC 0.00005; 1000 Genomes Project 30x 0.00016; 1000 Genomes Project 0.00020.
gnomAD v4.1: 21 of 1,613,532 alleles (0.0013%); highest among the groups gnomAD compares: East Asian, 0.013%; no homozygotes.

Submission:

PreventionGenetics, part of Exact Sciences
Classification: Likely benign for LRP1-related condition. Last evaluated: 2019-03-05. Review status: no assertion criteria provided. Collection method: clinical testing. Allele origin: germline.
Comment: This variant is classified as likely benign based on ACMG/AMP sequence variant interpretation guidelines (Richards et al. 2015 PMID: 25741868, with internal and published modifications).

NM_002332.3(LRP1):c.10212C>T (p.Asp3404=)

Gene: LRP1 (LDL receptor related protein 1; plus strand). Cytogenetic location: 12q13.3.
Variant type: single nucleotide variant.
Coding change: c.10212C>T on transcript NM_002332.3 (MANE Select); coding-DNA position 10212, C replaced by T.
Protein change: p.Asp3404=; no amino-acid change (aspartic acid 3404 retained).
Molecular consequence: synonymous variant.
Genome position (GRCh38, 1-based): chr12:57,200,802, C>T. VCF-style: chr12-57200802-C-T. GRCh37 (hg19) VCF-style: chr12-57594585-C-T.
Identifiers: ClinVar variation 3046727 (VCV003046727.2), dbSNP rs201671276, ClinGen allele CA6644895.